The following is an entry in ClinVar:

NM_003238.6(TGFB2):c.-1016C>T

Gene: TGFB2 (transforming growth factor beta 2; plus strand). Cytogenetic location: 1q41.
Variant type: single nucleotide variant.
Coding change: c.-1016C>T on transcript NM_003238.6 (MANE Select); 1016 bases upstream of the start codon, C replaced by T.
Molecular consequence: 5 prime UTR variant. On other transcripts: non-coding transcript variant (2).
Genome position (GRCh38, 1-based): chr1:218,345,686, C>T. VCF-style: chr1-218345686-C-T. GRCh37 (hg19) VCF-style: chr1-218519028-C-T.
Other names: c.-1016C>T (NM_001135599.4).
Identifiers: ClinVar variation 295459 (VCV000295459.5), dbSNP rs11466365, ClinGen allele CA10609916.

ClinVar aggregate classification (germline): Likely benign (1 of 4 stars; one submission).

Conditions:
Loeys-Dietz syndrome 4 (LDS4). Also called: ANEURYSM, AORTIC AND CEREBRAL, WITH ARTERIAL TORTUOSITY AND SKELETAL MANIFESTATIONS; TGFB2-Related Loeys-Dietz Syndrome. Identifiers: MedGen C3553762, MONDO:0013897, OMIM 614816.

Allele frequency attached by ClinVar (database versions not stated): gnomAD 0.01009 and 0.01071; TOPMed 0.01191; 1000 Genomes Project 0.01458; 1000 Genomes Project 30x 0.01499.

Submission:

Illumina Laboratory Services, Illumina
Classification: Likely benign for Loeys-Dietz syndrome 4. Last evaluated: 2017-04-27. Review status: criteria provided, single submitter. Criteria: ICSL Variant Classification Criteria 13 December 2019. Collection method: clinical testing. Allele origin: germline.
Comment: This variant was observed as part of a predisposition screen in an ostensibly healthy population. A literature search was performed for the gene, cDNA change, and amino acid change (where applicable). No publications were found based on this search. Allele frequency data from public databases allowed determination this variant is unlikely to cause disease. Therefore, this variant is classified as likely benign.